The following is an entry in ClinVar:

ClinVar aggregate classification (germline): Uncertain significance (1 of 4 stars; one submission).

Allele frequency attached by ClinVar (database versions not stated): ExAC 0.00001.
gnomAD v4.1: 1 of 1,613,980 alleles (0.000062%); no homozygotes.

Submission:

Labcorp Genetics (formerly Invitae), Labcorp
Classification: Uncertain significance. Last evaluated: 2022-10-13. Review status: criteria provided, single submitter. Criteria: Invitae Variant Classification Sherloc (09022015). Collection method: clinical testing. Allele origin: germline.
Comment: Algorithms developed to predict the effect of missense changes on protein structure and function (SIFT, PolyPhen-2, Align-GVGD) all suggest that this variant is likely to be tolerated. This variant has not been reported in the literature in individuals affected with C10orf11-related conditions. This variant is present in population databases (rs753971789, gnomAD 0.0009%). This sequence change replaces tyrosine, which is neutral and polar, with cysteine, which is neutral and slightly polar, at codon 4 of the C10orf11 protein (p.Tyr4Cys). In summary, the available evidence is currently insufficient to determine the role of this variant in disease. Therefore, it has been classified as a Variant of Uncertain Significance.

NM_001305581.2(LRMDA):c.132-253022A>G

Gene: LRMDA (leucine rich melanocyte differentiation associated; plus strand). Cytogenetic location: 10q22.2.
Variant type: single nucleotide variant.
Coding change: c.132-253022A>G on transcript NM_001305581.2 (MANE Select); 253022 bases into the intron before coding-DNA position 132, A replaced by G.
Molecular consequence: intron variant. On other transcripts: missense variant (1).
Genome position (GRCh38, 1-based): chr10:75,782,986, A>G. VCF-style: chr10-75782986-A-G. GRCh37 (hg19) VCF-style: chr10-77542744-A-G.
Other names: c.11A>G, p.Tyr4Cys (NM_032024.5); short protein forms Y4C.
Identifiers: ClinVar variation 1924309 (VCV001924309.5), dbSNP rs753971789, ClinGen allele CA5567504.